The following is an entry in ClinVar:

ClinVar aggregate classification (germline): Uncertain significance. Review status: criteria provided, multiple submitters, no conflicts (2 of 4 stars). 2 submissions from 2 submitters: Uncertain significance (2). Last evaluated 2025-06-10.

Conditions:
Lymphatic malformation 6 (LMPHM6). Also called: PIEZO1-related generalized lymphatic dysplasia with non-immune hydrops fetalis; GENERALIZED LYMPHATIC DYSPLASIA OF FOTIOU; Lymphedema, hereditary, III. Identifiers: Orphanet 568062, MedGen C4225184, MONDO:0014797, OMIM 616843.
Dehydrated hereditary stomatocytosis with or without pseudohyperkalemia and/or perinatal edema (DHS1). Also called: Dehydrated hereditary stomatocytosis 1 with or without pseudohyperkalemia and/or perinatal edema; PSEUDOHYPERKALEMIA EDINBURGH; DEHYDRATED HEREDITARY STOMATOCYTOSIS AND PSEUDOHYPERKALEMIA; DEHYDRATED HEREDITARY STOMATOCYTOSIS WITH PSEUDOHYPERKALEMIA AND PERINATAL EDEMA; Pseudohyperkalemia, familial, 1, due to red cell leak. Identifiers: Orphanet 3202, MedGen C4551512, MONDO:0008689, OMIM 194380.

gnomAD v4.1: 48 of 1,546,628 alleles (0.0031%); highest among the groups gnomAD compares: East Asian, 0.11%; no homozygotes.

Submissions (2):

Mayo Clinic Laboratories, Mayo Clinic
Classification: Uncertain significance. Last evaluated: 2025-06-10. Review status: criteria provided, single submitter. Criteria: ACMG Guidelines, 2015. Collection method: clinical testing. Allele origin: germline. Observed: 1 variant allele.
Comment: BP4_moderate

Department of Pathology and Laboratory Medicine, Sinai Health System
Classification: Uncertain significance for Dehydrated hereditary stomatocytosis with or without pseudohyperkalemia and/or perinatal edema; Lymphatic malformation 6. Last evaluated: 2023-10-24. Review status: criteria provided, single submitter. Criteria: ACMG Guidelines, 2015. Collection method: research. Allele origin: germline.

NM_001142864.4(PIEZO1):c.2219A>C (p.Glu740Ala)

Genes: HSALR1 (HSP90AB1 associated lncRNA 1; plus strand), PIEZO1 (piezo type mechanosensitive ion channel component 1 (Er blood group); minus strand). Cytogenetic location: 16q24.3.
Variant type: single nucleotide variant.
Coding change: c.2219A>C on transcript NM_001142864.4 (MANE Select); coding-DNA position 2219, A replaced by C.
Protein change: p.Glu740Ala; replaces glutamic acid 740 with alanine.
Molecular consequence: missense variant.
Genome position (GRCh38, 1-based): chr16:88,734,016, T>G on the plus strand (A>C on the coding strand, the complement: PIEZO1 is on the minus strand). VCF-style: chr16-88734016-T-G. GRCh37 (hg19) VCF-style: chr16-88800424-T-G.
Other names: p.Glu740Ala; short protein forms E740A.
Identifiers: ClinVar variation 3891945 (VCV003891945.2).